The following is an entry in ClinVar:

NM_199420.4(POLQ):c.3787G>T (p.Val1263Leu)

Gene: POLQ (DNA polymerase theta; minus strand). Cytogenetic location: 3q13.33.
Variant type: single nucleotide variant.
Coding change: c.3787G>T on transcript NM_199420.4 (MANE Select); coding-DNA position 3787, G replaced by T.
Protein change: p.Val1263Leu; replaces valine 1263 with leucine.
Molecular consequence: missense variant.
Genome position (GRCh38, 1-based): chr3:121,489,144, C>A on the plus strand (G>T on the coding strand, the complement: POLQ is on the minus strand). VCF-style: chr3-121489144-C-A. GRCh37 (hg19) VCF-style: chr3-121207991-C-A.
Other names: short protein forms V1263L.
Identifiers: ClinVar variation 2563846 (VCV002563846.2), dbSNP rs776643228, ClinGen allele CA354097276.

ClinVar aggregate classification (germline): Uncertain significance (1 of 4 stars; one submission).

Allele frequency attached by ClinVar (database versions not stated): gnomAD 0.00001.
gnomAD v4.1: 1 of 1,613,828 alleles (0.000062%); highest among the groups gnomAD compares: Non-Finnish European, 0.000085%; no homozygotes.

Submission:

Ambry Genetics
Classification: Uncertain significance. Last evaluated: 2023-05-15. Review status: criteria provided, single submitter. Criteria: Ambry Variant Classification Scheme 2023. Collection method: clinical testing. Allele origin: germline.
Comment: The p.V1263L variant (also known as c.3787G>T), located in coding exon 16 of the POLQ gene, results from a G to T substitution at nucleotide position 3787. The valine at codon 1263 is replaced by leucine, an amino acid with highly similar properties. This amino acid position is conserved. In addition, this alteration is predicted to be tolerated by in silico analysis. Since supporting evidence is limited at this time, the clinical significance of this alteration remains unclear.